The following is an entry in ClinVar:

ClinVar aggregate classification (germline): Pathogenic (1 of 4 stars; one submission).

Conditions:
Hereditary cancer-predisposing syndrome. Also called: Neoplastic Syndromes, Hereditary; Tumor predisposition; Hereditary Cancer Syndrome; Hereditary neoplastic syndrome. Identifiers: Orphanet 140162, MedGen C0027672, MeSH D009386, MONDO:0015356.

Submission:

Ambry Genetics
Classification: Pathogenic for Hereditary cancer-predisposing syndrome. Last evaluated: 2021-10-29. Review status: criteria provided, single submitter. Criteria: Ambry Variant Classification Scheme 2023. Collection method: clinical testing. Allele origin: germline.
Comment: The c.1946delT pathogenic mutation, located in coding exon 19 of the RB1 gene, results from a deletion of one nucleotide at nucleotide position 1946, causing a translational frameshift with a predicted alternate stop codon (p.L649Rfs*9). This alteration has been observed in at least one individual with a personal and/or family history that is consistent with RB1-related disease (Ambry internal data). This variant is also considered to be rare based on population cohorts in the Genome Aggregation Database (gnomAD). In addition to the clinical data available, this alteration is expected to result in loss of function by premature protein truncation or nonsense-mediated mRNA decay. As such, this alteration is interpreted as a disease-causing mutation.

NM_000321.3(RB1):c.1946del (p.Leu649fs)

Gene: RB1 (RB transcriptional corepressor 1; plus strand). Cytogenetic location: 13q14.2.
Variant type: Deletion.
Coding change: c.1946del on transcript NM_000321.3 (MANE Select); coding-DNA position 1946, one base deleted (T; older notation c.1946delT).
Protein change: p.Leu649fs; shifts the reading frame from leucine 649.
Molecular consequence: frameshift variant.
Genome position (GRCh38, 1-based): chr13:48,456,335, T deleted. VCF-style (leftmost placement, unchanged base first): chr13-48456334-CT-C. GRCh37 (hg19) VCF-style: chr13-49030470-CT-C.
Other names: c.1946delT, p.Leu649Argfs (NM_001407165.1); short protein forms L649fs.
Identifiers: ClinVar variation 1783132 (VCV001783132.2), dbSNP rs2542364375, ClinGen allele CA2580087591.